The following is an entry in ClinVar:

ClinVar aggregate classification (germline): Uncertain significance (1 of 4 stars; one submission).

Conditions:
Combined oxidative phosphorylation defect type 17. Also called: Combined oxidative phosphorylation deficiency 17. Identifiers: Orphanet 369913, MedGen C3809526, MONDO:0014190, OMIM 615440.

Submission:

Labcorp Genetics (formerly Invitae), Labcorp
Classification: Uncertain significance for Combined oxidative phosphorylation defect type 17. Last evaluated: 2022-04-11. Review status: criteria provided, single submitter. Criteria: Invitae Variant Classification Sherloc (09022015). Collection method: clinical testing. Allele origin: germline.
Comment: Algorithms developed to predict the effect of missense changes on protein structure and function (SIFT, PolyPhen-2, Align-GVGD) all suggest that this variant is likely to be tolerated. This sequence change replaces serine, which is neutral and polar, with arginine, which is basic and polar, at codon 478 of the ELAC2 protein (p.Ser478Arg). This variant is not present in population databases (gnomAD no frequency). This variant has not been reported in the literature in individuals affected with ELAC2-related conditions. In summary, the available evidence is currently insufficient to determine the role of this variant in disease. Therefore, it has been classified as a Variant of Uncertain Significance.

NM_018127.7(ELAC2):c.1434T>A (p.Ser478Arg)

Gene: ELAC2 (elaC ribonuclease Z 2; minus strand). Cytogenetic location: 17p12.
Variant type: single nucleotide variant.
Coding change: c.1434T>A on transcript NM_018127.7 (MANE Select); coding-DNA position 1434, T replaced by A.
Protein change: p.Ser478Arg; replaces serine 478 with arginine.
Molecular consequence: missense variant.
Genome position (GRCh38, 1-based): chr17:12,998,498, A>T on the plus strand (T>A on the coding strand, the complement: ELAC2 is on the minus strand). VCF-style: chr17-12998498-A-T. GRCh37 (hg19) VCF-style: chr17-12901815-A-T.
Other names: c.1314T>A, p.Ser438Arg (NM_001165962.2); c.1431T>A, p.Ser477Arg (NM_173717.2); short protein forms S438R, S477R, S478R.
Identifiers: ClinVar variation 2124847 (VCV002124847.4), dbSNP rs2508253745, ClinGen allele CA398224777.